The following is an entry in ClinVar:

ClinVar aggregate classification (germline): Likely benign. Review status: criteria provided, multiple submitters, no conflicts (2 of 4 stars). 3 submissions from 3 submitters: Likely benign (3). Last evaluated 2023-03-09.

Conditions:
Cardiovascular phenotype. Identifiers: MedGen CN230736.
Dilated cardiomyopathy 1W (CMD1W). Identifiers: Orphanet 154, MedGen C1969639, MONDO:0012667, OMIM 611407.

Allele frequency attached by ClinVar (database versions not stated): gnomAD exomes below 0.00001; ExAC 0.00001; gnomAD 0.00001; TOPMed 0.00004.
gnomAD v4.1: 3 of 1,613,950 alleles (0.00019%); highest among the groups gnomAD compares: African/African-American, 0.0027%; no homozygotes.

Submissions (3):

Labcorp Genetics (formerly Invitae), Labcorp
Classification: Likely benign for Dilated cardiomyopathy 1W. Last evaluated: 2023-03-09. Review status: criteria provided, single submitter. Criteria: Invitae Variant Classification Sherloc (09022015). Collection method: clinical testing. Allele origin: germline.

Ambry Genetics
Classification: Likely benign for Cardiovascular phenotype. Last evaluated: 2023-02-16. Review status: criteria provided, single submitter. Criteria: Ambry Variant Classification Scheme 2023. Collection method: clinical testing. Allele origin: germline.

GeneDx
Classification: Likely benign. Last evaluated: 2016-05-17. Review status: criteria provided, single submitter. Criteria: GeneDx Variant Classification (06012015). Collection method: clinical testing. Allele origin: germline. Affected: yes.
Comment: This variant is considered likely benign or benign based on one or more of the following criteria: it is a conservative change, it occurs at a poorly conserved position in the protein, it is predicted to be benign by multiple in silico algorithms, and/or has population frequency not consistent with disease.

NM_014000.3(VCL):c.1563G>C (p.Gly521=)

Gene: VCL (vinculin; plus strand). Cytogenetic location: 10q22.2.
Variant type: single nucleotide variant.
Coding change: c.1563G>C on transcript NM_014000.3 (MANE Select); coding-DNA position 1563, G replaced by C.
Protein change: p.Gly521=; no amino-acid change (glycine 521 retained).
Molecular consequence: synonymous variant.
Genome position (GRCh38, 1-based): chr10:74,095,675, G>C. VCF-style: chr10-74095675-G-C. GRCh37 (hg19) VCF-style: chr10-75855433-G-C.
Other names: c.1563G>C, p.Gly521= (NM_003373.4).
Identifiers: ClinVar variation 386225 (VCV000386225.7), dbSNP rs747932867, ClinGen allele CA5563039.